The following is an entry in ClinVar:

ClinVar aggregate classification (germline): Likely benign. Review status: criteria provided, multiple submitters, no conflicts (2 of 4 stars). 4 submissions from 4 submitters: Likely benign (4). Last evaluated 2025-04-12.

Conditions:
Marfan syndrome (MFS). Also called: MARFAN SYNDROME, TYPE I; FBN1-Related Marfan Syndrome; Marfan syndrome type 1; Marfan's syndrome; Marfan syndrome, classic. Identifiers: Orphanet 284963, Orphanet 558, MedGen C0024796, MONDO:0007947, OMIM 154700.
Familial thoracic aortic aneurysm and aortic dissection (TAAD). Also called: Thoracic aortic aneurysms and dissections. Identifiers: Orphanet 91387, MedGen C4707243, MONDO:0019625.

Allele frequency attached by ClinVar (database versions not stated): gnomAD 0.00001; gnomAD exomes below 0.00001; TOPMed below 0.00001.
gnomAD v4.1: 4 of 1,613,514 alleles (0.00025%); highest among the groups gnomAD compares: East Asian, 0.0022%; no homozygotes.

Submissions (4):

Ambry Genetics
Classification: Likely benign for Familial thoracic aortic aneurysm and aortic dissection. Last evaluated: 2025-04-12. Review status: criteria provided, single submitter. Criteria: Ambry Variant Classification Scheme 2023. Collection method: clinical testing. Allele origin: germline.

All of Us Research Program, National Institutes of Health
Classification: Likely benign for Marfan syndrome. Last evaluated: 2023-11-02. Review status: criteria provided, single submitter. Criteria: ACMG Guidelines, 2015. Collection method: clinical testing. Allele origin: germline. Inheritance: Autosomal dominant inheritance. Observed: 1 variant allele, 1 heterozygote.
Comment: This study involves interpretation of variants in research participants for the purpose of population health screening. Participant phenotype was not available at the time of variant classification. Additional details can be found in publication PMID: 35346344, PMCID: PMC8962531

Color Diagnostics, LLC DBA Color Health
Classification: Likely benign for Familial thoracic aortic aneurysm and aortic dissection. Last evaluated: 2023-04-17. Review status: criteria provided, single submitter. Criteria: ACMG Guidelines, 2015. Collection method: clinical testing. Allele origin: germline.

Labcorp Genetics (formerly Invitae), Labcorp
Classification: Likely benign for Marfan syndrome; Familial thoracic aortic aneurysm and aortic dissection. Last evaluated: 2021-12-15. Review status: criteria provided, single submitter. Criteria: Invitae Variant Classification Sherloc (09022015). Collection method: clinical testing. Allele origin: germline.

NM_000138.5(FBN1):c.6675T>C (p.Tyr2225=)

Gene: FBN1 (fibrillin 1; minus strand). Cytogenetic location: 15q21.1.
Variant type: single nucleotide variant.
Coding change: c.6675T>C on transcript NM_000138.5 (MANE Select); coding-DNA position 6675, T replaced by C.
Protein change: p.Tyr2225=; no amino-acid change (tyrosine 2225 retained).
Molecular consequence: synonymous variant.
Genome position (GRCh38, 1-based): chr15:48,432,930, A>G on the plus strand (T>C on the coding strand, the complement: FBN1 is on the minus strand). VCF-style: chr15-48432930-A-G. GRCh37 (hg19) VCF-style: chr15-48725127-A-G.
Identifiers: ClinVar variation 457250 (VCV000457250.12), dbSNP rs1260533788, ClinGen allele CA490018571.
Genomic context (GRCh38, chr15:48,432,930, plus strand): 5'-GCACATCCTACGGTCTTCTCTGAGCACATATCCCACGGGACATTTGCATTCATATGACCC[A>G]TAAGTGTTCACACATCGGAAGGCACAGAGCAGAGGATTCTGGGCACATTCATTTATATCT-3'
Protein context (NP_000129.3, residues 2215-2235): LLCAFRCVNT[Tyr2225=]GSYECKCPVG